The following is an entry in ClinVar:

ClinVar aggregate classification (germline): Pathogenic. Review status: criteria provided, multiple submitters, no conflicts (2 of 4 stars). 3 submissions from 3 submitters: Pathogenic (3). Last evaluated 2023-06-26.

Conditions:
Hereditary cancer-predisposing syndrome. Also called: Hereditary neoplastic syndrome; Tumor predisposition; Hereditary Cancer Syndrome; Neoplastic Syndromes, Hereditary. Identifiers: Orphanet 140162, MedGen C0027672, MeSH D009386, MONDO:0015356.
Familial cancer of breast. Also called: hereditary breast carcinoma; BREAST CANCER, FAMILIAL; Hereditary breast cancer. Identifiers: Orphanet 227535, MedGen C0346153, MONDO:0016419, OMIM 114480. Disease mechanism: loss of function.

Submissions (3):

Myriad Genetics, Inc.
Classification: Pathogenic for Familial cancer of breast. Last evaluated: 2023-06-26. Review status: criteria provided, single submitter. Criteria: Myriad Autosomal Dominant, Autosomal Recessive and X-Linked Classification Criteria (2023). Collection method: clinical testing. Allele origin: unknown.
Comment: This variant is considered pathogenic. This variant creates a frameshift predicted to result in premature protein truncation.

Labcorp Genetics (formerly Invitae), Labcorp
Classification: Pathogenic for Familial cancer of breast. Last evaluated: 2022-04-29. Review status: criteria provided, single submitter. Criteria: Invitae Variant Classification Sherloc (09022015). Collection method: clinical testing. Allele origin: germline.
Comment: For these reasons, this variant has been classified as Pathogenic. This variant has not been reported in the literature in individuals affected with CHEK2-related conditions. This variant is not present in population databases (gnomAD no frequency). This sequence change creates a premature translational stop signal (p.Glu263Glyfs*8) in the CHEK2 gene. It is expected to result in an absent or disrupted protein product. Loss-of-function variants in CHEK2 are known to be pathogenic (PMID: 21876083, 24713400).

Ambry Genetics
Classification: Pathogenic for Hereditary cancer-predisposing syndrome. Last evaluated: 2021-08-03. Review status: criteria provided, single submitter. Criteria: Ambry Variant Classification Scheme 2023. Collection method: clinical testing. Allele origin: germline.
Comment: The c.788_789delAG pathogenic mutation, located in coding exon 5 of the CHEK2 gene, results from a deletion of two nucleotides at nucleotide positions 788 to 789, causing a translational frameshift with a predicted alternate stop codon (p.E263Gfs*8). This variant is considered to be rare based on population cohorts in the Genome Aggregation Database (gnomAD). This alteration is expected to result in loss of function by premature protein truncation or nonsense-mediated mRNA decay. As such, this alteration is interpreted as a disease-causing mutation.

Literature cited by the submitters: PubMed 21876083 (cited by Labcorp Genetics (formerly Invitae), Labcorp); PubMed 24713400 (cited by Labcorp Genetics (formerly Invitae), Labcorp).

NM_007194.4(CHEK2):c.788_789del (p.Glu263fs)

Gene: CHEK2 (checkpoint kinase 2; minus strand). Cytogenetic location: 22q12.1.
Variant type: Microsatellite.
Coding change: c.788_789del on transcript NM_007194.4 (MANE Select); coding-DNA positions 788 to 789, 2 bases deleted (AG; older notation c.788_789delAG).
Protein change: p.Glu263fs; shifts the reading frame from glutamic acid 263.
Molecular consequence: frameshift variant.
Genome position (GRCh38, 1-based): chr22:28,711,912-28,711,913, CT deleted on the plus strand (AG on the coding strand, the reverse complement: CHEK2 is on the minus strand); deleting any 2 consecutive bases within chr22:28,711,912-28,711,917 gives the same sequence; the c. name uses the placement nearest the transcript's 3' end. VCF-style (leftmost placement, unchanged base first): chr22-28711911-CCT-C. GRCh37 (hg19) VCF-style: chr22-29107899-CCT-C.
Other names: c.913_914AG[2], p.Glu306Glyfs (NM_001005735.3); c.121_122AG[2], p.Glu42Glyfs (NM_001257387.3); c.583_584AG[2], p.Glu196Glyfs (NM_001349956.3); c.784_785AG[2], p.Glu263Glyfs (NM_145862.3); short protein forms E196fs, E263fs, E306fs, E42fs.
Identifiers: ClinVar variation 1069073 (VCV001069073.13), dbSNP rs2145948828, ClinGen allele CA2580615495.
Genomic context (GRCh38, chr22:28,711,911, plus strand): 5'-TTTGGGAAGTTATGAAGACGTGTTAATAAAAGGTGATCAGCCTTTTATTGGTACTTACTG[CCT>C]CTCTTGCTGAACCAATAGCAAACTTCCTTTTGCTGATGATCTTTATGGCTACTTTCTTAC-3'